The following is an entry in ClinVar:

NM_000350.3(ABCA4):c.570+1798A>G

Gene: ABCA4 (ATP binding cassette subfamily A member 4; minus strand). Cytogenetic location: 1p22.1.
Variant type: single nucleotide variant.
Coding change: c.570+1798A>G on transcript NM_000350.3 (MANE Select); 1798 bases into the intron after coding-DNA position 570, A replaced by G.
Molecular consequence: intron variant.
Genome position (GRCh38, 1-based): chr1:94,101,217, T>C on the plus strand (A>G on the coding strand, the complement: ABCA4 is on the minus strand). VCF-style: chr1-94101217-T-C. GRCh37 (hg19) VCF-style: chr1-94566773-T-C.
Identifiers: ClinVar variation 866595 (VCV000866595.6), dbSNP rs888731641, ClinGen allele CA26889413.
Genomic context (GRCh38, chr1:94,101,217, plus strand): 5'-GATCTAAATGTCACATTAGTAAGGAACTGGAAAGAAATTTCCCCGAAATTCCTGTCCTTA[T>C]CTTCATCTCCCTTTTATTACCAACTGGAAGTCATCAAGGCATTGTCAGGACTTGAGTTTT-3'

ClinVar aggregate classification (germline): Conflicting classifications of pathogenicity. Review status: criteria provided, conflicting classifications (1 of 4 stars). 3 submissions from 3 submitters: Pathogenic (1); Likely pathogenic (1); Uncertain significance (1). Last evaluated 2026-03-25.

Conditions:
ABCA4-related disorder. Also called: ABCA4-related condition; ABCA4-related disorders. Identifiers: MedGen CN239167.

Allele frequency attached by ClinVar (database versions not stated): TOPMed 0.00002; gnomAD 0.00004 and 0.00005.
gnomAD v4.1: 6 of 152,260 alleles (0.0039%); highest among the groups gnomAD compares: African/African-American, 0.014%; no homozygotes.

Submissions (3):

PreventionGenetics, part of Exact Sciences
Classification: Likely pathogenic for ABCA4-related condition. Last evaluated: 2026-03-25. Review status: criteria provided, single submitter. Criteria: ACMG Guidelines, 2015. Collection method: clinical testing. Allele origin: germline.
Comment: The ABCA4 c.570+1798A>G variant is predicted to interfere with splicing. This variant is strongly predicted to create a cryptic donor splice site in this deep intronic region (SpliceAI, Jaganathan et al. 2019. PubMed ID: 30661751). A functional study using RT-PCR analysis confirmed that this variant causes the inclusion of a pseudoexon in the transcript that is predicted to cause a frameshift in the protein (Khan et al. 2020. PubMed ID: 32307445). This variant has been reported in multiple individuals with autosomal recessive Stargardt disease (Table S2A, Cornelis. 2022. PubMed ID: 35120629; Zernant et al. 2014. PubMed ID: 25082829; Khan et al. 2020. PubMed ID: 32307445). This variant is present in 0.023% of alleles in individuals of African descent in gnomAD. This variant is interpreted as likely pathogenic.

Blueprint Genetics
Classification: Pathogenic for ABCA4-related disorders. Last evaluated: 2024-03-26. Review status: criteria provided, single submitter. Criteria: ACMG Guidelines, 2015. Collection method: clinical testing. Allele origin: germline. Affected: yes. Observed: 5 variant alleles.

GeneDx
Classification: Uncertain significance. Last evaluated: 2023-05-11. Review status: criteria provided, single submitter. Criteria: GeneDx Variant Classification Process June 2021. Collection method: clinical testing. Allele origin: germline. Affected: yes.
Comment: Published functional studies suggest a damaging effect (activation of a cryptic splice donor site resulting in inclusion of an out-of-frame pseudo exon) (Khan et al., 2020); This variant is associated with the following publications: (PMID: 32307445, 25082829, 35348597)